The following is an entry in ClinVar:

ClinVar aggregate classification (germline): Uncertain significance (1 of 4 stars; one submission).

Conditions:
Dilated cardiomyopathy 1J (CMD1J). Also called: CARDIOMYOPATHY, DILATED, WITH SENSORINEURAL HEARING LOSS, AUTOSOMAL DOMINANT. Identifiers: Orphanet 217622, MedGen C1854368, MONDO:0011541, OMIM 605362.

Submission:

Labcorp Genetics (formerly Invitae), Labcorp
Classification: Uncertain significance for Dilated cardiomyopathy 1J. Last evaluated: 2022-09-01. Review status: criteria provided, single submitter. Criteria: Invitae Variant Classification Sherloc (09022015). Collection method: clinical testing. Allele origin: germline.
Comment: Algorithms developed to predict the effect of missense changes on protein structure and function output the following: SIFT: "Deleterious"; PolyPhen-2: "Benign"; Align-GVGD: "Class C0". The asparagine amino acid residue is found in multiple mammalian species, which suggests that this missense change does not adversely affect protein function. ClinVar contains an entry for this variant (Variation ID: 1519404). This variant has not been reported in the literature in individuals affected with EYA4-related conditions. This variant is not present in population databases (gnomAD no frequency). This sequence change replaces serine, which is neutral and polar, with asparagine, which is neutral and polar, at codon 105 of the EYA4 protein (p.Ser105Asn). In summary, the available evidence is currently insufficient to determine the role of this variant in disease. Therefore, it has been classified as a Variant of Uncertain Significance.

NM_004100.5(EYA4):c.314G>A (p.Ser105Asn)

Genes: EYA4 (EYA transcriptional coactivator and phosphatase 4; plus strand), EYA4-AS2 (EYA4 antisense RNA 2; minus strand). Cytogenetic location: 6q23.2.
Variant type: single nucleotide variant.
Coding change: c.314G>A on transcript NM_004100.5 (MANE Select); coding-DNA position 314, G replaced by A.
Protein change: p.Ser105Asn; replaces serine 105 with asparagine.
Molecular consequence: missense variant. On other transcripts: intron variant (2).
Genome position (GRCh38, 1-based): chr6:133,456,592, G>A. VCF-style: chr6-133456592-G-A. GRCh37 (hg19) VCF-style: chr6-133777730-G-A.
Other names: c.314G>A, p.Ser105Asn (NM_001301013.2, NM_172105.4); c.245G>A, p.Ser82Asn (NM_001370458.1, NM_172103.4); c.209-4522G>A (NM_001370459.1, NM_001301012.2); short protein forms S105N, S82N.
Identifiers: ClinVar variation 1519404 (VCV001519404.6), dbSNP rs2128644229, ClinGen allele CA365694327.
Genomic context (GRCh38, chr6:133,456,592, plus strand): 5'-ACATGTACTTATTCTTCTACGTAGTGTCTCTTCTTGCAGTCAAAACAGAGCCCTTGAACA[G>A]CAGTGAAACCACAGCCACGACTGGAGATGGAGCGCTTGACACTTTTACTGGGTCAGGTAA-3'
Protein context (NP_004091.3, residues 95-115): LLAVKTEPLN[Ser105Asn]SETTATTGDG